The following is an entry in ClinVar:

NM_001048174.2(MUTYH):c.1049A>C (p.Glu350Ala)

Gene: MUTYH (mutY DNA glycosylase; minus strand). Cytogenetic location: 1p34.1.
Variant type: single nucleotide variant.
Coding change: c.1049A>C on transcript NM_001048174.2 (MANE Select); coding-DNA position 1049, A replaced by C.
Protein change: p.Glu350Ala; replaces glutamic acid 350 with alanine.
Molecular consequence: missense variant. On other transcripts: non-coding transcript variant (7).
Genome position (GRCh38, 1-based): chr1:45,331,714, T>G on the plus strand (A>C on the coding strand, the complement: MUTYH is on the minus strand). VCF-style: chr1-45331714-T-G. GRCh37 (hg19) VCF-style: chr1-45797386-T-G.
Other names: c.1133A>C, p.Glu378Ala (NM_001128425.2); c.1094A>C, p.Glu365Ala (NM_001293190.2); c.1082A>C, p.Glu361Ala (NM_001293191.2, NM_001407069.1, NM_001407077.1); c.773A>C, p.Glu258Ala (NM_001293192.2, NM_001293196.2, NM_001407091.1); c.1049A>C, p.Glu350Ala (NM_001293195.2, NM_001407088.1, NM_001407089.1 and 6 more transcripts); c.704A>C, p.Glu235Ala (NM_001350650.2, NM_001350651.2, NM_001407082.1); c.1091A>C, p.Glu364Ala (NM_001407083.1, NM_001407085.1); c.1052A>C, p.Glu351Ala (NM_001407086.1, NM_001048172.2, NM_001407071.1 and 1 more transcripts); and 5 more; short protein forms E337A, E350A, E365A, E375A, E235A, E258A, E322A, E351A.
Identifiers: ClinVar variation 4113039 (VCV004113039.1).

ClinVar aggregate classification (germline): Uncertain significance (1 of 4 stars; one submission).

Conditions:
Hereditary cancer-predisposing syndrome. Also called: Tumor predisposition; Neoplastic Syndromes, Hereditary; Hereditary neoplastic syndrome; Hereditary Cancer Syndrome. Identifiers: Orphanet 140162, MedGen C0027672, MeSH D009386, MONDO:0015356.

Submission:

Ambry Genetics
Classification: Uncertain significance for Hereditary cancer-predisposing syndrome. Last evaluated: 2025-08-27. Review status: criteria provided, single submitter. Criteria: Ambry Variant Classification Scheme 2023. Collection method: clinical testing. Allele origin: germline.
Comment: The p.E378A variant (also known as c.1133A>C), located in coding exon 12 of the MUTYH gene, results from an A to C substitution at nucleotide position 1133. The glutamic acid at codon 378 is replaced by alanine, an amino acid with dissimilar properties. This amino acid position is conserved. In addition, the in silico prediction for this alteration is inconclusive. Based on the available evidence, the clinical significance of this variant remains unclear.